The following is an entry in ClinVar:

ClinVar aggregate classification (germline): Uncertain significance (1 of 4 stars; one submission).

Conditions:
Cowden syndrome 3 (CWS3). Identifiers: Orphanet 201, MedGen CN166604, MONDO:0014045.
Pheochromocytoma. Also called: MAX-Related Hereditary Paraganglioma-Pheochromocytoma Syndrome. Identifiers: Orphanet 29072, MedGen C0031511, MONDO:0008233, OMIM 171300, HP:0002666.
Paragangliomas with sensorineural hearing loss. Identifiers: MedGen C1868633.
Carney-Stratakis syndrome. Also called: PARAGANGLIOMA AND GASTROINTESTINAL STROMAL TUMOR. Identifiers: Orphanet 97286, MedGen C1847319, MONDO:0011740, OMIM 606864.

Submission:

Labcorp Genetics (formerly Invitae), Labcorp
Classification: Uncertain significance for Carney-Stratakis syndrome; Paragangliomas with sensorineural hearing loss; Pheochromocytoma; Cowden syndrome 3. Last evaluated: 2023-05-18. Review status: criteria provided, single submitter. Criteria: Invitae Variant Classification Sherloc (09022015). Collection method: clinical testing. Allele origin: germline.
Comment: In summary, the available evidence is currently insufficient to determine the role of this variant in disease. Therefore, it has been classified as a Variant of Uncertain Significance. This sequence change falls in intron 1 of the SDHD gene. It does not directly change the encoded amino acid sequence of the SDHD protein. This variant is not present in population databases (gnomAD no frequency). This variant has not been reported in the literature in individuals affected with SDHD-related conditions. Studies have shown that this variant is associated with altered splicing resulting in unknown protein product impact (Invitae).

NM_003002.4(SDHD):c.53-11T>C

Gene: SDHD (succinate dehydrogenase complex subunit D; plus strand). Cytogenetic location: 11q23.1.
Variant type: single nucleotide variant.
Coding change: c.53-11T>C on transcript NM_003002.4 (MANE Select); 11 bases into the intron before coding-DNA position 53, T replaced by C.
Molecular consequence: intron variant.
Genome position (GRCh38, 1-based): chr11:112,087,846, T>C. VCF-style: chr11-112087846-T-C. GRCh37 (hg19) VCF-style: chr11-111958570-T-C.
Other names: c.53-11T>C (NM_001276506.2, NM_001276503.2); c.52+887T>C (NM_001276504.2).
Identifiers: ClinVar variation 2952184 (VCV002952184.3), dbSNP rs2498899221, ClinGen allele CA2740090845.